The following is an entry in ClinVar:

ClinVar aggregate classification (germline): Uncertain significance (1 of 4 stars; one submission).

Conditions:
Hereditary breast ovarian cancer syndrome. Also called: Hereditary breast and ovarian cancer; Hereditary breast and ovarian cancer syndrome (HBOC); BRCA1- and BRCA2-Associated Hereditary Breast and Ovarian Cancer; Hereditary breast and ovarian cancer syndrome; Hereditary breast and/or ovarian cancer syndrome; Breast and ovarian cancer. Identifiers: Orphanet 145, MedGen C0677776, MeSH D061325, MONDO:0003582. Disease mechanism: loss of function.

Submission:

Labcorp Genetics (formerly Invitae), Labcorp
Classification: Uncertain significance for Hereditary breast ovarian cancer syndrome. Last evaluated: 2024-04-15. Review status: criteria provided, single submitter. Criteria: Invitae Variant Classification Sherloc (09022015). Collection method: clinical testing. Allele origin: germline.
Comment: This sequence change replaces isoleucine, which is neutral and non-polar, with asparagine, which is neutral and polar, at codon 3169 of the BRCA2 protein (p.Ile3169Asn). This variant is not present in population databases (gnomAD no frequency). This variant has not been reported in the literature in individuals affected with BRCA2-related conditions. ClinVar contains an entry for this variant (Variation ID: 640319). Advanced modeling of protein sequence and biophysical properties (such as structural, functional, and spatial information, amino acid conservation, physicochemical variation, residue mobility, and thermodynamic stability) performed at Invitae indicates that this missense variant is not expected to disrupt BRCA2 protein function with a negative predictive value of 95%. In summary, the available evidence is currently insufficient to determine the role of this variant in disease. Therefore, it has been classified as a Variant of Uncertain Significance.

NM_000059.4(BRCA2):c.9506T>A (p.Ile3169Asn)

Gene: BRCA2 (BRCA2 DNA repair associated; plus strand). Cytogenetic location: 13q13.1.
Variant type: single nucleotide variant.
Coding change: c.9506T>A on transcript NM_000059.4 (MANE Select); coding-DNA position 9506, T replaced by A.
Protein change: p.Ile3169Asn; replaces isoleucine 3169 with asparagine.
Molecular consequence: missense variant.
Genome position (GRCh38, 1-based): chr13:32,396,902, T>A. VCF-style: chr13-32396902-T-A. GRCh37 (hg19) VCF-style: chr13-32971039-T-A.
Other names: short protein forms I3169N.
Identifiers: ClinVar variation 640319 (VCV000640319.9), dbSNP rs1244221685, ClinGen allele CA387762838.